The following is an entry in ClinVar:

ClinVar aggregate classification (germline): Benign/Likely benign. Review status: criteria provided, multiple submitters, no conflicts (2 of 4 stars). 5 submissions from 5 submitters: Benign (3); Likely benign (2). Last evaluated 2026-05-14.

Conditions:
CLTC-related disorder. Also called: CLTC-related condition.

Allele frequency attached by ClinVar (database versions not stated): gnomAD exomes 0.00014 and 0.00041; ExAC 0.00050; 1000 Genomes Project 0.00140; 1000 Genomes Project 30x 0.00141; gnomAD 0.00170 and 0.00176; TOPMed 0.00178; ESP Exome Variant Server 0.00223.
gnomAD v4.1: 466 of 1,602,716 alleles (0.029%); highest among the groups gnomAD compares: African/African-American, 0.57%; 2 homozygotes.

Submissions (5):

Women's Health and Genetics/Laboratory Corporation of America, LabCorp
Classification: Benign. Last evaluated: 2026-05-14. Review status: criteria provided, single submitter. Criteria: LabCorp Variant Classification Summary - May 2015. Collection method: clinical testing. Allele origin: germline.
Comment: Variant summary: CLTC c.3442+6A>G alters a nucleotide located close to a canonical splice site and therefore could affect mRNA splicing, leading to a significantly altered protein sequence. Consensus agreement among computation tools predict no significant impact on normal splicing. However, these predictions have yet to be confirmed by functional studies. The variant allele was found at a frequency of 0.00029 in 1602716 control chromosomes, predominantly at a frequency of 0.0057 within the African or African-American subpopulation in the gnomAD database, including 2 homozygotes. The observed variant frequency within African or African-American control individuals in the gnomAD database exceeds the estimated maximal expected allele frequency for disease-causing variants in CLTC. To our knowledge, no occurrence of c.3442+6A>G in individuals affected with CLTC-related conditions and no experimental evidence demonstrating its impact on protein function have been reported. ClinVar contains an entry for this variant (Variation ID: 1617819). Based on the evidence outlined above, the variant was classified as benign.

CeGaT Center for Human Genetics Tuebingen
Classification: Likely benign. Last evaluated: 2026-05-01. Review status: criteria provided, single submitter. Criteria: CeGaT Center For Human Genetics Tuebingen Variant Classification Criteria Version 2. Collection method: clinical testing. Allele origin: germline. Affected: yes. Observed: 3 variant alleles.
Comment: CLTC: BP4, BS1

Labcorp Genetics (formerly Invitae), Labcorp
Classification: Benign. Last evaluated: 2026-02-03. Review status: criteria provided, single submitter. Criteria: Invitae Variant Classification Sherloc (09022015). Collection method: clinical testing. Allele origin: germline.

PreventionGenetics, part of Exact Sciences
Classification: Benign for CLTC-related condition. Last evaluated: 2024-10-28. Review status: criteria provided, single submitter. Criteria: ACMG Guidelines, 2015. Collection method: clinical testing. Allele origin: germline.
Comment: This variant is classified as benign based on ACMG/AMP sequence variant interpretation guidelines (Richards et al. 2015 PMID: 25741868, with internal and published modifications).

Blueprint Genetics
Classification: Likely benign. Last evaluated: 2024-10-02. Review status: criteria provided, single submitter. Criteria: ACMG Guidelines, 2015. Collection method: clinical testing. Allele origin: germline.

NM_004859.4(CLTC):c.3442+6A>G

Gene: CLTC (clathrin heavy chain; plus strand). Cytogenetic location: 17q23.1.
Variant type: single nucleotide variant.
Coding change: c.3442+6A>G on transcript NM_004859.4 (MANE Select); 6 bases into the intron after coding-DNA position 3442, A replaced by G.
Molecular consequence: intron variant.
Genome position (GRCh38, 1-based): chr17:59,681,845, A>G. VCF-style: chr17-59681845-A-G. GRCh37 (hg19) VCF-style: chr17-57759206-A-G.
Other names: c.3454+6A>G (NM_001288653.2, NM_001288653.1).
Identifiers: ClinVar variation 1617819 (VCV001617819.35), dbSNP rs200720789, ClinGen allele CA8681581.